The following is an entry in ClinVar:

ClinVar aggregate classification (germline): Conflicting classifications of pathogenicity. Review status: criteria provided, conflicting classifications (1 of 4 stars). 2 submissions from 2 submitters: Uncertain significance (1); Benign (1). Last evaluated 2025-11-08.

Conditions:
Primary ciliary dyskinesia. Also called: Ciliary dyskinesia. Identifiers: Orphanet 244, MedGen C0008780, MONDO:0016575, HP:0012265.

Allele frequency attached by ClinVar (database versions not stated): gnomAD 0.00001; TOPMed 0.00001; ExAC 0.00002; gnomAD exomes 0.00002.
gnomAD v4.1: 31 of 1,613,362 alleles (0.0019%); highest among the groups gnomAD compares: South Asian, 0.0033%; no homozygotes.

Submissions (2):

Labcorp Genetics (formerly Invitae), Labcorp
Classification: Benign for Primary ciliary dyskinesia. Last evaluated: 2025-11-08. Review status: criteria provided, single submitter. Criteria: Invitae Variant Classification Sherloc (09022015). Collection method: clinical testing. Allele origin: germline.

Ambry Genetics
Classification: Uncertain significance for Primary ciliary dyskinesia. Last evaluated: 2025-11-04. Review status: criteria provided, single submitter. Criteria: Ambry Variant Classification Scheme 2023. Collection method: clinical testing. Allele origin: germline.
Comment: The p.H2062R variant (also known as c.6185A>G), located in coding exon 37 of the DNAH11 gene, results from an A to G substitution at nucleotide position 6185. The histidine at codon 2062 is replaced by arginine, an amino acid with highly similar properties. This variant was not reported in population based cohorts in the following databases: Database of Single Nucleotide Polymorphisms (dbSNP), NHLBI Exome Sequencing Project (ESP), and 1000 Genomes Project. In the ESP, this variant was not observed in 5980 samples (11960 alleles) with coverage at this position. This amino acid position is highly conserved in available vertebrate species. In addition, this alteration is predicted to be deleterious SIFT in silico analysis. Since supporting evidence is limited at this time, the clinical significance of this variant remains unclear.

NM_001277115.2(DNAH11):c.6185A>G (p.His2062Arg)

Gene: DNAH11 (dynein axonemal heavy chain 11; plus strand). Cytogenetic location: 7p15.3.
Variant type: single nucleotide variant.
Coding change: c.6185A>G on transcript NM_001277115.2 (MANE Select); coding-DNA position 6185, A replaced by G.
Protein change: p.His2062Arg; replaces histidine 2062 with arginine.
Molecular consequence: missense variant.
Genome position (GRCh38, 1-based): chr7:21,702,714, A>G. VCF-style: chr7-21702714-A-G. GRCh37 (hg19) VCF-style: chr7-21742332-A-G.
Other names: c.6206A>G, p.His2069Arg (NM_003777.3); short protein forms H2069R, H2062R.
Identifiers: ClinVar variation 2459249 (VCV002459249.5), dbSNP rs777405662, ClinGen allele CA4180723.